The following is an entry in ClinVar:

NM_013450.4(BAZ2B):c.5404C>T (p.Gln1802Ter)

Gene: BAZ2B (bromodomain adjacent to zinc finger domain 2B; minus strand). Cytogenetic location: 2q24.2.
Variant type: single nucleotide variant.
Coding change: c.5404C>T on transcript NM_013450.4 (MANE Select); coding-DNA position 5404, C replaced by T.
Protein change: p.Gln1802Ter; replaces glutamine 1802 with a stop codon.
Molecular consequence: nonsense.
Genome position (GRCh38, 1-based): chr2:159,347,536, G>A on the plus strand (C>T on the coding strand, the complement: BAZ2B is on the minus strand). VCF-style: chr2-159347536-G-A. GRCh37 (hg19) VCF-style: chr2-160204047-G-A.
Other names: c.5296C>T, p.Gln1766Ter (NM_001289975.1); c.5242C>T, p.Gln1748Ter (NM_001329857.2); c.5329C>T, p.Gln1777Ter (NM_001329858.2); short protein forms Q1748*, Q1766*, Q1777*, Q1802*.
Identifiers: ClinVar variation 3342834 (VCV003342834.1).
Genomic context (GRCh38, chr2:159,347,536, plus strand): 5'-TCGATTTTACCTTCACTTGCAAACTTGCTGATGCAACTCTCCTTTCTAGATCTTCTACCT[G>A]TTGAAGGACACTCAAATCCATTTCCATTGCTTGTTCTTCTACTGACCAGTTCTCCACAAT-3'

ClinVar aggregate classification (germline): Uncertain significance (1 of 4 stars; one submission).

Submission:

GeneDx
Classification: Uncertain significance. Last evaluated: 2023-02-23. Review status: criteria provided, single submitter. Criteria: GeneDx Variant Classification Process June 2021. Collection method: clinical testing. Allele origin: germline. Affected: yes.
Comment: Not observed at significant frequency in large population cohorts (gnomAD); Nonsense variant predicted to result in protein truncation or nonsense mediated decay in a gene or region of a gene for which loss of function is not a well-established mechanism of disease; Has not been previously published as pathogenic or benign to our knowledge; Variants in candidate genes are classified as variants of uncertain significance in accordance with ACMG guidelines (Richards et al., 2015)